The following is an entry in ClinVar:

ClinVar aggregate classification (germline): Uncertain significance (1 of 4 stars; one submission).

Conditions:
PHGDH deficiency. Identifiers: Orphanet 79351, MedGen C1866174, MONDO:0011152, OMIM 601815.

Submission:

Labcorp Genetics (formerly Invitae), Labcorp
Classification: Uncertain significance for PHGDH deficiency. Last evaluated: 2021-08-26. Review status: criteria provided, single submitter. Criteria: Invitae Variant Classification Sherloc (09022015). Collection method: clinical testing. Allele origin: germline.
Comment: This sequence change replaces glycine with arginine at codon 228 of the PHGDH protein (p.Gly228Arg). The glycine residue is highly conserved and there is a moderate physicochemical difference between glycine and arginine. This variant is not present in population databases (ExAC no frequency). This variant has not been reported in the literature in individuals affected with PHGDH-related conditions. Algorithms developed to predict the effect of missense changes on protein structure and function (SIFT, PolyPhen-2, Align-GVGD) all suggest that this variant is likely to be disruptive. In summary, the available evidence is currently insufficient to determine the role of this variant in disease. Therefore, it has been classified as a Variant of Uncertain Significance.

NM_006623.4(PHGDH):c.682G>C (p.Gly228Arg)

Gene: PHGDH (phosphoglycerate dehydrogenase; plus strand). Cytogenetic location: 1p12.
Variant type: single nucleotide variant.
Coding change: c.682G>C on transcript NM_006623.4 (MANE Select); coding-DNA position 682, G replaced by C.
Protein change: p.Gly228Arg; replaces glycine 228 with arginine.
Molecular consequence: missense variant.
Genome position (GRCh38, 1-based): chr1:119,735,333, G>C. VCF-style: chr1-119735333-G-C. GRCh37 (hg19) VCF-style: chr1-120277956-G-C.
Other names: short protein forms G228R.
Identifiers: ClinVar variation 1471972 (VCV001471972.5), dbSNP rs139063843, ClinGen allele CA341850090.